The following is an entry in ClinVar:

ClinVar aggregate classification (germline): Uncertain significance (1 of 4 stars; one submission).

Allele frequency attached by ClinVar (database versions not stated): gnomAD exomes below 0.00001; TOPMed below 0.00001.

Submission:

Labcorp Genetics (formerly Invitae), Labcorp
Classification: Uncertain significance. Last evaluated: 2021-08-31. Review status: criteria provided, single submitter. Criteria: Invitae Variant Classification Sherloc (09022015). Collection method: clinical testing. Allele origin: germline.
Comment: This sequence change replaces glutamine with arginine at codon 308 of the PIGV protein (p.Gln308Arg). The glutamine residue is highly conserved and there is a small physicochemical difference between glutamine and arginine. This variant is not present in population databases (ExAC no frequency). This variant has not been reported in the literature in individuals affected with PIGV-related conditions. Algorithms developed to predict the effect of missense changes on protein structure and function (SIFT, PolyPhen-2, Align-GVGD) all suggest that this variant is likely to be disruptive. In summary, the available evidence is currently insufficient to determine the role of this variant in disease. Therefore, it has been classified as a Variant of Uncertain Significance.

NM_017837.4(PIGV):c.923A>G (p.Gln308Arg)

Gene: PIGV (phosphatidylinositol glycan anchor biosynthesis class V; plus strand). Cytogenetic location: 1p36.11.
Variant type: single nucleotide variant.
Coding change: c.923A>G on transcript NM_017837.4 (MANE Select); coding-DNA position 923, A replaced by G.
Protein change: p.Gln308Arg; replaces glutamine 308 with arginine.
Molecular consequence: missense variant. On other transcripts: non-coding transcript variant (1), intron variant (1).
Genome position (GRCh38, 1-based): chr1:26,794,957, A>G. VCF-style: chr1-26794957-A-G. GRCh37 (hg19) VCF-style: chr1-27121448-A-G.
Other names: c.923A>G, p.Gln308Arg (NM_001202554.2, NM_001374478.1, NM_001374480.1 and 2 more transcripts); c.542A>G, p.Gln181Arg (NM_001374483.1); c.296A>G, p.Gln99Arg (NM_001374484.1, NM_001374485.1); c.79-2606A>G (NM_001374486.1); short protein forms Q308R, Q99R, Q181R.
Identifiers: ClinVar variation 1434101 (VCV001434101.5), dbSNP rs1234266577, ClinGen allele CA339201112.